The following is an entry in ClinVar:

ClinVar aggregate classification (germline): Pathogenic (1 of 4 stars; one submission).

Conditions:
Alstrom syndrome (ALMS). Identifiers: Orphanet 64, MedGen C0268425, MONDO:0008763, OMIM 203800.

Submission:

Labcorp Genetics (formerly Invitae), Labcorp
Classification: Pathogenic for Alstrom syndrome. Last evaluated: 2023-06-24. Review status: criteria provided, single submitter. Criteria: Invitae Variant Classification Sherloc (09022015). Collection method: clinical testing. Allele origin: germline.
Comment: For these reasons, this variant has been classified as Pathogenic. This variant has not been reported in the literature in individuals affected with ALMS1-related conditions. This variant is not present in population databases (gnomAD no frequency). This sequence change creates a premature translational stop signal (p.Lys2413*) in the ALMS1 gene. It is expected to result in an absent or disrupted protein product. Loss-of-function variants in ALMS1 are known to be pathogenic (PMID: 17594715).

Literature cited by the submitters: PubMed 17594715.

NM_001378454.1(ALMS1):c.7234A>T (p.Lys2412Ter)

Gene: ALMS1 (ALMS1 centrosome and basal body associated protein; plus strand). Cytogenetic location: 2p13.1.
Variant type: single nucleotide variant.
Coding change: c.7234A>T on transcript NM_001378454.1 (MANE Select); coding-DNA position 7234, A replaced by T.
Protein change: p.Lys2412Ter; replaces lysine 2412 with a stop codon.
Molecular consequence: nonsense.
Genome position (GRCh38, 1-based): chr2:73,453,761, A>T. VCF-style: chr2-73453761-A-T. GRCh37 (hg19) VCF-style: chr2-73680888-A-T.
Other names: c.7237A>T, p.Lys2413Ter (NM_015120.4); short protein forms K2413*, K2412*.
Identifiers: ClinVar variation 2719753 (VCV002719753.3), dbSNP rs2466111790, ClinGen allele CA347291775.